The following is an entry in ClinVar:

ClinVar aggregate classification (germline): Benign/Likely benign. Review status: criteria provided, multiple submitters, no conflicts (2 of 4 stars). 3 submissions from 3 submitters: Benign (1); Likely benign (2). Last evaluated 2026-01-01.

Conditions:
Cranium bifidum occultum. Also called: CATLIN MARKS; Enlarged Parietal Foramina; CRANIUM BIFIDUM, HEREDITARY. Identifiers: MedGen C1868598, HP:0004423.

Allele frequency attached by ClinVar (database versions not stated): gnomAD 0.00004 and 0.00006; gnomAD exomes 0.00012 and 0.00052; 1000 Genomes Project 30x 0.00016; 1000 Genomes Project 0.00020; TOPMed 0.00022; ExAC 0.00045.
gnomAD v4.1: 178 of 1,613,894 alleles (0.011%); highest among the groups gnomAD compares: Admixed American, 0.23%; 1 homozygote.

Submissions (3):

CeGaT Center for Human Genetics Tuebingen
Classification: Likely benign. Last evaluated: 2026-01-01. Review status: criteria provided, single submitter. Criteria: CeGaT Center For Human Genetics Tuebingen Variant Classification Criteria Version 2. Collection method: clinical testing. Allele origin: germline. Affected: yes. Observed: 1 variant allele.
Comment: MSX2: BP4, BP7

Labcorp Genetics (formerly Invitae), Labcorp
Classification: Benign for Cranium bifidum occultum. Last evaluated: 2025-12-30. Review status: criteria provided, single submitter. Criteria: Invitae Variant Classification Sherloc (09022015). Collection method: clinical testing. Allele origin: germline.

Blueprint Genetics
Classification: Likely benign. Last evaluated: 2023-04-11. Review status: criteria provided, single submitter. Criteria: ACMG Guidelines, 2015. Collection method: clinical testing. Allele origin: germline.

NM_002449.5(MSX2):c.723G>A (p.Pro241=)

Gene: MSX2 (msh homeobox 2; plus strand). Cytogenetic location: 5q35.2.
Variant type: single nucleotide variant.
Coding change: c.723G>A on transcript NM_002449.5 (MANE Select); coding-DNA position 723, G replaced by A.
Protein change: p.Pro241=; no amino-acid change (proline 241 retained).
Molecular consequence: synonymous variant. On other transcripts: 3 prime UTR variant (1).
Genome position (GRCh38, 1-based): chr5:174,729,502, G>A. VCF-style: chr5-174729502-G-A. GRCh37 (hg19) VCF-style: chr5-174156505-G-A.
Other names: c.*347G>A (NM_001363626.2).
Identifiers: ClinVar variation 697825 (VCV000697825.13), dbSNP rs201103544, ClinGen allele CA3565252.
Genomic context (GRCh38, chr5:174,729,502, plus strand): 5'-TCTCCCTTTCCCCATCAGCTCGCCCCTGCAGGCAGCGTCCATATATGGAGCATCCTACCC[G>A]TTCCATAGACCTGTGCTTCCCATCCCGCCTGTGGGACTCTATGCCACGCCAGTGGGATAT-3'
Protein context (NP_002440.2, residues 231-251): QAASIYGASY[Pro241=]FHRPVLPIPP